The following is an entry in ClinVar:

ClinVar aggregate classification (germline): Benign/Likely benign. Review status: criteria provided, multiple submitters, no conflicts (2 of 4 stars). 3 submissions from 3 submitters: Benign (1); Likely benign (1). 1 of the submissions does not count toward it. Last evaluated 2026-01-15.

Conditions:
SLC1A2-related disorder. Also called: SLC1A2-related condition.

Allele frequency attached by ClinVar (database versions not stated): gnomAD exomes 0.00019 and 0.00076; gnomAD 0.00024 and 0.00035; TOPMed 0.00038; ExAC 0.00062; 1000 Genomes Project 0.00180; 1000 Genomes Project 30x 0.00187.
gnomAD v4.1: 339 of 1,614,112 alleles (0.021%); highest among the groups gnomAD compares: East Asian, 0.64%; 3 homozygotes.

Submissions (3):

Labcorp Genetics (formerly Invitae), Labcorp
Classification: Benign. Last evaluated: 2026-01-15. Review status: criteria provided, single submitter. Criteria: Invitae Variant Classification Sherloc (09022015). Collection method: clinical testing. Allele origin: germline.

Blueprint Genetics
Classification: Likely benign. Last evaluated: 2024-10-30. Review status: criteria provided, single submitter. Criteria: ACMG Guidelines, 2015. Collection method: clinical testing. Allele origin: germline.

PreventionGenetics, part of Exact Sciences
Classification: Benign for SLC1A2-related condition. Last evaluated: 2024-05-08. Review status: no assertion criteria provided. Collection method: clinical testing. Allele origin: germline. Not counted in ClinVar's aggregate classification.
Comment: This variant is classified as benign based on ACMG/AMP sequence variant interpretation guidelines (Richards et al. 2015 PMID: 25741868, with internal and published modifications).

NM_004171.4(SLC1A2):c.378C>T (p.Ser126=)

Gene: SLC1A2 (solute carrier family 1 member 2; minus strand). Cytogenetic location: 11p13.
Variant type: single nucleotide variant.
Coding change: c.378C>T on transcript NM_004171.4 (MANE Select); coding-DNA position 378, C replaced by T.
Protein change: p.Ser126=; no amino-acid change (serine 126 retained).
Molecular consequence: synonymous variant.
Genome position (GRCh38, 1-based): chr11:35,312,381, G>A on the plus strand (C>T on the coding strand, the complement: SLC1A2 is on the minus strand). VCF-style: chr11-35312381-G-A. GRCh37 (hg19) VCF-style: chr11-35333928-G-A.
Other names: c.351C>T, p.Ser117= (NM_001195728.3, NM_001252652.2).
Identifiers: ClinVar variation 976535 (VCV000976535.11), dbSNP rs181770796, ClinGen allele CA5947329.
Genomic context (GRCh38, chr11:35,312,381, plus strand): 5'-ATTGCCTGGATGGATAGCCAAGACCAGAATGACCCCCAGTACTGCAGCAATGATGGTCGT[G>A]GACATGTAATACACCATGGCTCTCGTGCCCAAGCGGCCACTAGCCTTAGCATCCAGGCCT-3'
Protein context (NP_004162.2, residues 116-136): LGTRAMVYYM[Ser126=]TTIIAAVLGV